The following is an entry in ClinVar:

NM_001113491.2(SEPTIN9):c.*718C>G

Gene: SEPTIN9 (septin 9; plus strand). Cytogenetic location: 17q25.3.
Variant type: single nucleotide variant.
Coding change: c.*718C>G on transcript NM_001113491.2 (MANE Select); 718 bases downstream of the stop codon, C replaced by G.
Molecular consequence: 3 prime UTR variant.
Genome position (GRCh38, 1-based): chr17:77,499,376, C>G. VCF-style: chr17-77499376-C-G. GRCh37 (hg19) VCF-style: chr17-75495458-C-G.
Other names: c.*718C>G (NM_001113492.2, NM_001113493.2, NM_001113494.1 and 7 more transcripts).
Identifiers: ClinVar variation 325594 (VCV000325594.5), dbSNP rs370900865, ClinGen allele CA8794031.

ClinVar aggregate classification (germline): Benign (1 of 4 stars; one submission).

Conditions:
Amyotrophic neuralgia (HNA). Also called: AMYOTROPHY, HEREDITARY NEURALGIC; Hereditary Brachial Plexus Neuropathy; Neuritis with Brachial Predilection; AMYOTROPHY, HEREDITARY NEURALGIC, WITH PREDILECTION FOR BRACHIAL PLEXUS. Identifiers: Orphanet 2901, MedGen C1834304, MONDO:0008076, OMIM 162100.

Allele frequency attached by ClinVar (database versions not stated): gnomAD 0.00007 and 0.00038; TOPMed 0.00015; 1000 Genomes Project 30x 0.00156; gnomAD exomes 0.00169; 1000 Genomes Project 0.00200; ExAC 0.00387.
gnomAD v4.1: 701 of 564,608 alleles (0.12%); highest among the groups gnomAD compares: South Asian, 0.97%; 6 homozygotes.

Submission:

Illumina Laboratory Services, Illumina
Classification: Benign for Amyotrophy, hereditary neuralgic. Last evaluated: 2018-01-13. Review status: criteria provided, single submitter. Criteria: ICSL Variant Classification Criteria 13 December 2019. Collection method: clinical testing. Allele origin: germline.
Comment: This variant was observed in the ICSL laboratory as part of a predisposition screen in an ostensibly healthy population. It had not been previously curated by ICSL or reported in the Human Gene Mutation Database (HGMD: prior to June 1st, 2018), and was therefore a candidate for classification through an automated scoring system. Utilizing variant allele frequency, disease prevalence and penetrance estimates, and inheritance mode, an automated score was calculated to assess if this variant is too frequent to cause the disease. Based on the score and internal cut-off values, a variant classified as benign is not then subjected to further curation. The score for this variant resulted in a classification of benign for this disease.